The following is an entry in ClinVar:

NM_178012.5(TUBB2B):c.1223T>C (p.Phe408Ser)

Gene: TUBB2B (tubulin beta 2B class IIb; minus strand). Cytogenetic location: 6p25.2.
Variant type: single nucleotide variant.
Coding change: c.1223T>C on transcript NM_178012.5 (MANE Select); coding-DNA position 1223, T replaced by C.
Protein change: p.Phe408Ser; replaces phenylalanine 408 with serine.
Molecular consequence: missense variant.
Genome position (GRCh38, 1-based): chr6:3,224,866, A>G on the plus strand (T>C on the coding strand, the complement: TUBB2B is on the minus strand). VCF-style: chr6-3224866-A-G. GRCh37 (hg19) VCF-style: chr6-3225100-A-G.
Other names: short protein forms F408S.
Identifiers: ClinVar variation 1342599 (VCV001342599.1), dbSNP rs2113818887, ClinGen allele CA362584681.

ClinVar aggregate classification (germline): Uncertain significance (1 of 4 stars; one submission).

Conditions:
Complex cortical dysplasia with other brain malformations 7. Identifiers: Orphanet 300573, MedGen C3552236, MONDO:0012399, OMIM 610031.

Submission:

New York Genome Center
Classification: Uncertain significance for Complex cortical dysplasia with other brain malformations 7. Last evaluated: 2021-05-17. Review status: criteria provided, single submitter. Criteria: NYGC Assertion Criteria 2020. Collection method: clinical testing. Allele origin: germline. Observed: 1 heterozygote. Study: CSER-NYCKidSeq.
Comment: The heterozygous missense variant c.1223T>C, p.Phe408Ser identified in TUBB2B has not been reported in the literature. This variant is not reported in the gnomAD database, indicating a rare allele, and in silico tools predict a deleterious effect. Based on the available evidence, the variant c.1223T>C, p.Phe408Ser in the TUBB2B gene is classified as a Variant of Uncertain Significance.